The following is an entry in ClinVar:

NM_018979.4(WNK1):c.3190T>G (p.Leu1064Val)

Gene: WNK1 (WNK lysine deficient protein kinase 1; plus strand). Cytogenetic location: 12p13.33.
Variant type: single nucleotide variant.
Coding change: c.3190T>G on transcript NM_018979.4 (MANE Select); coding-DNA position 3190, T replaced by G.
Protein change: p.Leu1064Val; replaces leucine 1064 with valine.
Molecular consequence: missense variant.
Genome position (GRCh38, 1-based): chr12:881,770, T>G. VCF-style: chr12-881770-T-G. GRCh37 (hg19) VCF-style: chr12-990936-T-G.
Other names: c.3970T>G, p.Leu1324Val (NM_001184985.2); c.2449T>G, p.Leu817Val (NM_014823.3); c.3946T>G, p.Leu1316Val (NM_213655.5); short protein forms L1064V, L1316V, L817V, L1324V.
Identifiers: ClinVar variation 2943180 (VCV002943180.3), dbSNP rs2548987373, ClinGen allele CA383327711.

ClinVar aggregate classification (germline): Uncertain significance (1 of 4 stars; one submission).

Conditions:
Neuropathy, hereditary sensory and autonomic, type 2A (HSAN2A). Also called: ACROOSTEOLYSIS, GIACCAI TYPE; ACROOSTEOLYSIS, NEUROGENIC; MORVAN DISEASE; NEUROPATHY, CONGENITAL SENSORY; NEUROPATHY, HEREDITARY SENSORY RADICULAR, AUTOSOMAL RECESSIVE; NEUROPATHY, HEREDITARY SENSORY, TYPE IIA. Identifiers: Orphanet 970, MedGen C2752089, MONDO:0024309, OMIM 201300.
Pseudohypoaldosteronism type 2C (PHA2C). Also called: Pseudohypoaldosteronism Type IIC. Identifiers: Orphanet 757, Orphanet 88940, MedGen C1840391, MONDO:0013778, OMIM 614492.

Allele frequency attached by ClinVar (database versions not stated): gnomAD exomes below 0.00001.
gnomAD v4.1: 2 of 1,614,230 alleles (0.00012%); highest among the groups gnomAD compares: Non-Finnish European, 0.00017%; no homozygotes.

Submission:

Labcorp Genetics (formerly Invitae), Labcorp
Classification: Uncertain significance for Neuropathy, hereditary sensory and autonomic, type 2A; Pseudohypoaldosteronism type 2C. Last evaluated: 2023-10-14. Review status: criteria provided, single submitter. Criteria: Invitae Variant Classification Sherloc (09022015). Collection method: clinical testing. Allele origin: germline.
Comment: This sequence change replaces leucine, which is neutral and non-polar, with valine, which is neutral and non-polar, at codon 1316 of the WNK1 protein (p.Leu1316Val). This variant is not present in population databases (gnomAD no frequency). This variant has not been reported in the literature in individuals affected with WNK1-related conditions. Advanced modeling of protein sequence and biophysical properties (such as structural, functional, and spatial information, amino acid conservation, physicochemical variation, residue mobility, and thermodynamic stability) performed at Invitae indicates that this missense variant is not expected to disrupt WNK1 protein function. In summary, the available evidence is currently insufficient to determine the role of this variant in disease. Therefore, it has been classified as a Variant of Uncertain Significance.